The following is an entry in ClinVar:

NM_206933.4(USH2A):c.8088T>A (p.Tyr2696Ter)

Gene: USH2A (usherin; minus strand). Cytogenetic location: 1q41.
Variant type: single nucleotide variant.
Coding change: c.8088T>A on transcript NM_206933.4 (MANE Select); coding-DNA position 8088, T replaced by A.
Protein change: p.Tyr2696Ter; replaces tyrosine 2696 with a stop codon.
Molecular consequence: nonsense.
Genome position (GRCh38, 1-based): chr1:215,888,561, A>T on the plus strand (T>A on the coding strand, the complement: USH2A is on the minus strand). VCF-style: chr1-215888561-A-T. GRCh37 (hg19) VCF-style: chr1-216061903-A-T.
Other names: c.8088T>A (NM_206933.2); short protein forms Y2696*.
Identifiers: ClinVar variation 1925163 (VCV001925163.9), dbSNP rs1400277861, ClinGen allele CA344838911.

ClinVar aggregate classification (germline): Pathogenic/Likely pathogenic. Review status: criteria provided, multiple submitters, no conflicts (2 of 4 stars). 4 submissions from 4 submitters: Pathogenic (2); Likely pathogenic (2). Last evaluated 2025-09-29.

Conditions:
Usher syndrome type 2A. Also called: RETINAL DISEASE IN USHER SYNDROME TYPE IIA, MODIFIER OF; USHER SYNDROME, TYPE IIA. Identifiers: Orphanet 231178, Orphanet 886, MedGen C1848634, MONDO:0010169, OMIM 276901.
USH2A-related disorder. Also called: USH2A-related condition; USH2A-related disorders. Identifiers: MedGen CN239332.

Allele frequency attached by ClinVar (database versions not stated): gnomAD exomes 0.00001.
gnomAD v4.1: 14 of 1,614,162 alleles (0.00087%); highest among the groups gnomAD compares: Non-Finnish European, 0.001%; no homozygotes.

Submissions (4):

Labcorp Genetics (formerly Invitae), Labcorp
Classification: Pathogenic. Last evaluated: 2025-09-29. Review status: criteria provided, single submitter. Criteria: Invitae Variant Classification Sherloc (09022015). Collection method: clinical testing. Allele origin: germline.
Comment: This sequence change creates a premature translational stop signal (p.Tyr2696*) in the USH2A gene. It is expected to result in an absent or disrupted protein product. Loss-of-function variants in USH2A are known to be pathogenic (PMID: 10729113, 10909849, 20507924, 25649381). This variant is present in population databases (no rsID available, gnomAD 0.0009%). This variant has not been reported in the literature in individuals affected with USH2A-related conditions. ClinVar contains an entry for this variant (Variation ID: 1925163). For these reasons, this variant has been classified as Pathogenic.

Natera, Inc.
Classification: Likely pathogenic for Usher syndrome type 2A. Last evaluated: 2025-05-30. Review status: criteria provided, single submitter. Criteria: Natera Variant Classification Schema (03/2026). Collection method: clinical testing. Allele origin: germline.
Comment: The c.8088T>A variant in USH2A is a nonsense variant predicted to introduce a stop codon at amino acid 2696. This variant is expected to result in nonsense mediated decay, truncation, or a dysfunctional protein product. This variant is rare in the general population with a frequency below the threshold expected for the associated phenotype(s). Given the available evidence, this variant is classified as Likely Pathogenic.

GeneDx
Classification: Pathogenic. Last evaluated: 2025-03-28. Review status: criteria provided, single submitter. Criteria: GeneDx Variant Classification Process June 2021. Collection method: clinical testing. Allele origin: germline. Affected: yes.
Comment: Identified with a pathogenic USH2A variant in individuals referred for genetic testing at GeneDx and in published literature with clinical features consistent with a USH2A-related disorder, although it is not known if the variants are on opposite alleles (in trans) (PMID: 36011334); Nonsense variant predicted to result in protein truncation or nonsense mediated decay in a gene for which loss of function is a known mechanism of disease; Not observed at significant frequency in large population cohorts (gnomAD); This variant is associated with the following publications: (PMID: 31964843, 36011334)

Blueprint Genetics
Classification: Likely pathogenic for USH2A-related disorders. Last evaluated: 2019-10-29. Review status: criteria provided, single submitter. Criteria: ACMG Guidelines, 2015. Collection method: clinical testing. Allele origin: germline. Affected: yes. Observed: 1 variant allele.

Literature cited by the submitters: PubMed 10729113 (cited by Labcorp Genetics (formerly Invitae), Labcorp); PubMed 10909849 (cited by Labcorp Genetics (formerly Invitae), Labcorp); PubMed 20507924 (cited by Labcorp Genetics (formerly Invitae), Labcorp); PubMed 25649381 (cited by Labcorp Genetics (formerly Invitae), Labcorp).